The following is an entry in ClinVar:

NM_001005337.3(PKP1):c.-86C>A

Gene: PKP1 (plakophilin 1; plus strand). Cytogenetic location: 1q32.1.
Variant type: single nucleotide variant.
Coding change: c.-86C>A on transcript NM_001005337.3 (MANE Select); 86 bases upstream of the start codon, C replaced by A.
Molecular consequence: 5 prime UTR variant.
Genome position (GRCh38, 1-based): chr1:201,283,617, C>A. VCF-style: chr1-201283617-C-A. GRCh37 (hg19) VCF-style: chr1-201252745-C-A.
Other names: c.-86C>A (NM_000299.4).
Identifiers: ClinVar variation 294798 (VCV000294798.5), dbSNP rs117651274, ClinGen allele CA10608746.
Genomic context (GRCh38, chr1:201,283,617, plus strand): 5'-AGCCCTCACGCGGACCACGCACTCTATGGCCGTAGGGAGCCGCTGAGAGCGAGAAGAGCA[C>A]GCTCCTGCCCGCCCGCTGCACCGCACCTCGCCTCGCCTCTCTGCTCTCCTAGGCCCCGGC-3'

ClinVar aggregate classification (germline): Benign (1 of 4 stars; one submission).

Conditions:
Epidermolysis bullosa simplex due to plakophilin deficiency. Also called: MCGRATH SYNDROME. Identifiers: Orphanet 158668, MedGen C1858302, MONDO:0011472, OMIM 604536.

Allele frequency attached by ClinVar (database versions not stated): gnomAD 0.00081 and 0.00120; TOPMed 0.00155; 1000 Genomes Project 0.00439; 1000 Genomes Project 30x 0.00468.
gnomAD v4.1: 1,806 of 1,196,480 alleles (0.15%); highest among the groups gnomAD compares: East Asian, 3.8%; 35 homozygotes.

Submission:

Illumina Laboratory Services, Illumina
Classification: Benign for Epidermolysis bullosa simplex due to plakophilin deficiency. Last evaluated: 2018-01-13. Review status: criteria provided, single submitter. Criteria: ICSL Variant Classification Criteria 13 December 2019. Collection method: clinical testing. Allele origin: germline.
Comment: This variant was observed in the ICSL laboratory as part of a predisposition screen in an ostensibly healthy population. It had not been previously curated by ICSL or reported in the Human Gene Mutation Database (HGMD: prior to June 1st, 2018), and was therefore a candidate for classification through an automated scoring system. Utilizing variant allele frequency, disease prevalence and penetrance estimates, and inheritance mode, an automated score was calculated to assess if this variant is too frequent to cause the disease. Based on the score and internal cut-off values, a variant classified as benign is not then subjected to further curation. The score for this variant resulted in a classification of benign for this disease.